The following is an entry in ClinVar:

ClinVar aggregate classification (germline): Benign. Review status: criteria provided, multiple submitters, no conflicts (2 of 4 stars). 2 submissions from 2 submitters: Benign (2). Last evaluated 2018-01-13.

Conditions:
Combined immunodeficiency due to DOCK8 deficiency (HIES2). Also called: HIES autosomal recessive; Hyper-IgE recurrent infection syndrome, autosomal recessive; HYPER-IgE RECURRENT INFECTION SYNDROME 2, AUTOSOMAL RECESSIVE; HYPER-IgE SYNDROME 2, AUTOSOMAL RECESSIVE, WITH RECURRENT INFECTIONS; DOCK8 Deficiency. Identifiers: Orphanet 217390, MedGen C4722305, MONDO:0009478, OMIM 243700.

Allele frequency attached by ClinVar (database versions not stated): gnomAD 0.81268 and 0.81602; TOPMed 0.81375; 1000 Genomes Project 30x 0.85478; 1000 Genomes Project 0.85603.

Submissions (2):

Illumina Laboratory Services, Illumina
Classification: Benign for Combined immunodeficiency due to DOCK8 deficiency. Last evaluated: 2018-01-13. Review status: criteria provided, single submitter. Criteria: ICSL Variant Classification Criteria 13 December 2019. Collection method: clinical testing. Allele origin: germline.
Comment: This variant was observed in the ICSL laboratory as part of a predisposition screen in an ostensibly healthy population. It had not been previously curated by ICSL or reported in the Human Gene Mutation Database (HGMD: prior to June 1st, 2018), and was therefore a candidate for classification through an automated scoring system. Utilizing variant allele frequency, disease prevalence and penetrance estimates, and inheritance mode, an automated score was calculated to assess if this variant is too frequent to cause the disease. Based on the score and internal cut-off values, a variant classified as benign is not then subjected to further curation. The score for this variant resulted in a classification of benign for this disease.

Breakthrough Genomics
Classification: Benign. Review status: criteria provided, single submitter. Criteria: ACMG Guidelines, 2015. Collection method: not provided. Allele origin: germline. Inheritance: Autosomal recessive inheritance. Affected: yes.

NM_203447.4(DOCK8):c.*701G>A

Gene: DOCK8 (dedicator of cytokinesis 8; plus strand). Cytogenetic location: 9p24.3.
Variant type: single nucleotide variant.
Coding change: c.*701G>A on transcript NM_203447.4 (MANE Select); 701 bases downstream of the stop codon, G replaced by A.
Molecular consequence: 3 prime UTR variant.
Genome position (GRCh38, 1-based): chr9:464,920, G>A. VCF-style: chr9-464920-G-A. GRCh37 (hg19) VCF-style: chr9-464920-G-A.
Other names: c.*701G>A (NM_001190458.2, NM_001193536.2).
Identifiers: ClinVar variation 367102 (VCV000367102.6), dbSNP rs3780338, ClinGen allele CA10627462.